The following is an entry in ClinVar:

ClinVar aggregate classification (germline): Uncertain significance (1 of 4 stars; one submission).

gnomAD v4.1: 1 of 1,614,000 alleles (0.000062%); highest among the groups gnomAD compares: East Asian, 0.0022%; no homozygotes.

Submission:

Women's Health and Genetics/Laboratory Corporation of America, LabCorp
Classification: Uncertain significance. Last evaluated: 2026-01-14. Review status: criteria provided, single submitter. Criteria: LabCorp Variant Classification Summary - May 2015. Collection method: clinical testing. Allele origin: germline.
Comment: Variant summary: KMT2C c.8450C>G (p.Thr2817Ser) results in a conservative amino acid change in the encoded protein sequence. Algorithms developed to predict the effect of missense changes on protein structure and function all suggest that this variant is likely to be tolerated. The variant allele was found at a frequency of 4e-06 in 251118 control chromosomes. The available data on variant occurrences in the general population are insufficient to allow any conclusion about variant significance. To our knowledge, no occurrence of c.8450C>G in individuals affected with KMT2C-related conditions and no experimental evidence demonstrating its impact on protein function have been reported. No submitters have cited clinical-significance assessments for this variant to ClinVar. Based on the evidence outlined above, the variant was classified as uncertain significance.

NM_170606.3(KMT2C):c.8450C>G (p.Thr2817Ser)

Gene: KMT2C (lysine methyltransferase 2C; minus strand). Cytogenetic location: 7q36.1.
Variant type: single nucleotide variant.
Coding change: c.8450C>G on transcript NM_170606.3 (MANE Select); coding-DNA position 8450, C replaced by G.
Protein change: p.Thr2817Ser; replaces threonine 2817 with serine.
Molecular consequence: missense variant.
Genome position (GRCh38, 1-based): chr7:152,177,003, G>C on the plus strand (C>G on the coding strand, the complement: KMT2C is on the minus strand). VCF-style: chr7-152177003-G-C. GRCh37 (hg19) VCF-style: chr7-151874088-G-C.
Other names: short protein forms T2817S.
Identifiers: ClinVar variation 4689401 (VCV004689401.1).